The following is an entry in ClinVar:

NM_002471.4(MYH6):c.4759C>T (p.Gln1587Ter)

Genes: MYH6 (myosin heavy chain 6; minus strand), LOC126861896 (BRD4-independent group 4 enhancer GRCh37_chr14:23854904-23856103; plus strand). Cytogenetic location: 14q11.2.
Variant type: single nucleotide variant.
Coding change: c.4759C>T on transcript NM_002471.4 (MANE Select); coding-DNA position 4759, C replaced by T.
Protein change: p.Gln1587Ter; replaces glutamine 1587 with a stop codon.
Molecular consequence: nonsense.
Genome position (GRCh38, 1-based): chr14:23,386,515, G>A on the plus strand (C>T on the coding strand, the complement: MYH6 is on the minus strand). VCF-style: chr14-23386515-G-A. GRCh37 (hg19) VCF-style: chr14-23855724-G-A.
Other names: short protein forms Q1587*.
Identifiers: ClinVar variation 1878771 (VCV001878771.6), dbSNP rs2502143899, ClinGen allele CA388992337.

ClinVar aggregate classification (germline): Uncertain significance. Review status: criteria provided, multiple submitters, no conflicts (2 of 4 stars). 3 submissions from 3 submitters: Uncertain significance (3). Last evaluated 2024-07-08.

Conditions:
Hypertrophic cardiomyopathy 14. Identifiers: MedGen C2750467, MONDO:0013197, OMIM 613251.

Submissions (3):

GeneDx
Classification: Uncertain significance. Last evaluated: 2024-07-08. Review status: criteria provided, single submitter. Criteria: GeneDx Variant Classification Process June 2021. Collection method: clinical testing. Allele origin: germline. Affected: yes.
Comment: Not observed at significant frequency in large population cohorts (gnomAD); Nonsense variant predicted to result in protein truncation or nonsense mediated decay in a gene or region of a gene for which loss of function is not a well-established mechanism of disease; Has not been previously published as pathogenic or benign to our knowledge

Labcorp Genetics (formerly Invitae), Labcorp
Classification: Uncertain significance for Hypertrophic cardiomyopathy 14. Last evaluated: 2023-05-09. Review status: criteria provided, single submitter. Criteria: Invitae Variant Classification Sherloc (09022015). Collection method: clinical testing. Allele origin: germline.
Comment: This variant has not been reported in the literature in individuals affected with MYH6-related conditions. ClinVar contains an entry for this variant (Variation ID: 1878771). In summary, the available evidence is currently insufficient to determine the role of this variant in disease. Therefore, it has been classified as a Variant of Uncertain Significance. This sequence change creates a premature translational stop signal (p.Gln1587*) in the MYH6 gene. It is expected to result in an absent or disrupted protein product. However, the current clinical and genetic evidence is not sufficient to establish whether loss-of-function variants in MYH6 cause disease. This variant is not present in population databases (gnomAD no frequency).

Blueprint Genetics
Classification: Uncertain significance. Last evaluated: 2020-09-21. Review status: criteria provided, single submitter. Criteria: ACMG Guidelines, 2015. Collection method: clinical testing. Allele origin: germline.